The following continues an entry in ClinVar:

NC_000011.10:g.5227100T>C

ClinVar aggregate classification (germline): Pathogenic. Pathogenic (18).

Submissions 10 to 21 of 21:

Ambry Genetics
Classification: Pathogenic for Inborn genetic diseases. Last evaluated: 2024-09-23. Review status: criteria provided, single submitter. Criteria: Ambry Variant Classification Scheme 2023. Collection method: clinical testing. Allele origin: germline.
Comment: The c.-79A>G alteration is located in the 5' untranslated region (5'UTR) of the HBB gene. This alteration consists of a A to G substitution 79 nucleotides upstream from the first translated codon. Based on data from gnomAD, the G allele has an overall frequency of 0.089% (28/31390) total alleles studied. The highest observed frequency was 0.322% (28/8704) of African alleles. This variant, also known as -29A>G, has been identified in the homozygous state and/or in conjunction with other HBB variants in individuals with mild or major beta-thalassemia (Antonarakis, 1984; Gonzalez-Redondo, 1988; Ropero, 2017). This variant is one of the most common HBB mutations and has been observed in numerous Chinese and African American newborns with clinically significant beta-thalassemia ascertained through California's newborn screening program (Hoppe, 2013). Multiple functional studies show this variant leads to a reduction of mRNA (Antonarakis, 1984; Calvo, 2009). Based on the available evidence, this alteration is classified as pathogenic.

Revvity Omics, Revvity
Classification: Pathogenic. Last evaluated: 2024-09-18. Review status: criteria provided, single submitter. Criteria: ACMG Guidelines, 2015. Collection method: clinical testing. Allele origin: germline.

Fulgent Genetics
Classification: Pathogenic for Heinz body anemia; Hereditary persistence of fetal hemoglobin; Dominant beta-thalassemia; Hb SS disease; Malaria, susceptibility to; Beta-thalassemia HBB/LCRB; METHEMOGLOBINEMIA, BETA TYPE; Erythrocytosis, familial, 6. Last evaluated: 2024-05-30. Review status: criteria provided, single submitter. Criteria: ACMG Guidelines, 2015. Collection method: clinical testing. Allele origin: germline.

GeneDx
Classification: Pathogenic. Last evaluated: 2022-10-14. Review status: criteria provided, single submitter. Criteria: GeneDx Variant Classification Process June 2021. Collection method: clinical testing. Allele origin: germline. Affected: yes.
Comment: Published functional studies demonstrate a damaging effect: reduced beta-globin RNA compared to wildtype (Antonarakis et al., 1984; Calvo et al., 2009); Also known as c.-29 A>G using alternate nomenclature; This variant is associated with the following publications: (PMID: 2458145, 30275481, 22975760, 19372376, 6583702, 2123063, 2014803, 8435318, 3021607, 8330981, 28366028, 28385923, 31395865, 31589614, 32746448)

Mendelics
Classification: Pathogenic for Heinz body anemia. Last evaluated: 2022-05-04. Review status: criteria provided, single submitter. Criteria: Mendelics Assertion Criteria 2019. Collection method: clinical testing. Allele origin: germline.

Mayo Clinic Laboratories, Mayo Clinic
Classification: Pathogenic. Last evaluated: 2020-09-11. Review status: criteria provided, single submitter. Criteria: ACMG Guidelines, 2015. Collection method: clinical testing. Allele origin: germline. Observed: 1 variant allele.

Myriad Genetics, Inc.
Classification: Pathogenic for Beta-thalassemia HBB/LCRB. Last evaluated: 2019-10-18. Review status: criteria provided, single submitter. Criteria: Myriad Women's Health Autosomal Recessive and X-Linked Classification Criteria (2019). Collection method: clinical testing. Allele origin: unknown.
Comment: NM_000518.4(HBB):c.-79A>G(aka -29A>G) is classified as pathogenic and is associated with beta thalassemia. Sources cited for classification include the following: PMID: 2458145, and 6583702. Classification of NM_000518.4(HBB):c.-79A>G(aka -29A>G) is based on the following criteria: This is a well-established pathogenic variant in the literature that has been observed more frequently in patients with clinical diagnoses than in healthy populations. Please note: this variant was assessed in the context of healthy population screening.

Women's Health and Genetics/Laboratory Corporation of America, LabCorp
Classification: Pathogenic for beta Thalassemia. Last evaluated: 2016-04-26. Review status: criteria provided, single submitter. Criteria: LabCorp Variant Classification Summary - May 2015. Collection method: clinical testing. Allele origin: germline.
Comment: Variant summary: The c.-79A>G variant affects a conserved nucleotide in TATA box in 5'UTR. One in-silico tool predicts damaging outcome for this variant. This variant is found in 2/5008 control chromosomes at a frequency of 0.0003994, which does not exceed maximal expected frequency of a pathogenic allele (0.0111803). In functional studies the variant of interest was shown to reduce the production of the b-globin mRNA. This change is a widely accepted to be deleterious and multiple clinical laboratories/reputable databases classified this variant as pathogenic. Taken together, this variant was classified as pathogenic.

Juno Genomics, Hangzhou Juno Genomics, Inc
Classification: Pathogenic for Beta-thalassemia HBB/LCRB. Review status: criteria provided, single submitter. Criteria: ACMG Guidelines, 2015. Collection method: clinical testing. Allele origin: germline.
Comment: Absent from controls (or at extremely low frequency if recessive) in Genome Aggregation Database.;Well-established in vitro or in vivo functional studies supportive of a damaging effect on the gene or gene product.;For recessive disorders, detected in trans with a pathogenic variant.

The ITHANET community portal, The Cyprus Institute of Neurology and Genetics
Classification: Pathogenic for beta Thalassemia. Last evaluated: 2019-11-25. Review status: no assertion criteria provided. Collection method: curation. Allele origin: germline. Not counted in ClinVar's aggregate classification.

OMIM
Classification: Pathogenic for BETA-PLUS-THALASSEMIA. Last evaluated: 1986-10-01. Review status: no assertion criteria provided. Collection method: literature only. Allele origin: germline. Not counted in ClinVar's aggregate classification.

GeneReviews
No classification provided. Condition: beta Thalassemia. Review status: no classification provided. Collection method: literature only. Allele origin: germline. Not counted in ClinVar's aggregate classification.

Literature cited by the submitters: PubMed 2123063 (cited by Labcorp Genetics (formerly Invitae), Labcorp and Women's Health and Genetics/Laboratory Corporation of America, LabCorp); PubMed 2458145 (cited by 4 submitters); PubMed 3021607 (cited by 5 submitters); PubMed 6583702 (cited by 5 submitters); PubMed 28385923 (cited by 4 submitters); PubMed 34795208 (cited by Natera, Inc.); PubMed 18976160 (cited by Natera, Inc.); PubMed 28366028 (cited by 3billion); PubMed 20301599 (cited by Quest Diagnostics Nichols Institute San Juan Capistrano); PubMed 9401495 (cited by Quest Diagnostics Nichols Institute San Juan Capistrano); PubMed 3799593 (cited by Quest Diagnostics Nichols Institute San Juan Capistrano); PubMed 2460127 (cited by Quest Diagnostics Nichols Institute San Juan Capistrano); PubMed 18294253 (cited by Quest Diagnostics Nichols Institute San Juan Capistrano); PubMed 18081706 (cited by Quest Diagnostics Nichols Institute San Juan Capistrano); PubMed 26079343 (cited by Quest Diagnostics Nichols Institute San Juan Capistrano and Women's Health and Genetics/Laboratory Corporation of America, LabCorp); PubMed 20412082 (cited by Quest Diagnostics Nichols Institute San Juan Capistrano); PubMed 33092414 (cited by Quest Diagnostics Nichols Institute San Juan Capistrano); PubMed 19372376 (cited by Ambry Genetics and Women's Health and Genetics/Laboratory Corporation of America, LabCorp); PubMed 23590658 (cited by Ambry Genetics); PubMed 8435318 (cited by Women's Health and Genetics/Laboratory Corporation of America, LabCorp); PubMed 2875755 (cited by Women's Health and Genetics/Laboratory Corporation of America, LabCorp); PubMed 3457470 (cited by Women's Health and Genetics/Laboratory Corporation of America, LabCorp); PubMed 6583683 (cited by Women's Health and Genetics/Laboratory Corporation of America, LabCorp and OMIM); PubMed 2014803 (cited by Women's Health and Genetics/Laboratory Corporation of America, LabCorp); NCBI Bookshelf NBK1426 (cited by GeneReviews).